The following is an entry in ClinVar:

NM_004168.4(SDHA):c.1577T>C (p.Phe526Ser)

Gene: SDHA (succinate dehydrogenase complex flavoprotein subunit A; plus strand). Cytogenetic location: 5p15.33.
Variant type: single nucleotide variant.
Coding change: c.1577T>C on transcript NM_004168.4 (MANE Select); coding-DNA position 1577, T replaced by C.
Protein change: p.Phe526Ser; replaces phenylalanine 526 with serine.
Molecular consequence: missense variant. On other transcripts: intron variant (1).
Genome position (GRCh38, 1-based): chr5:251,017, T>C. VCF-style: chr5-251017-T-C. GRCh37 (hg19) VCF-style: chr5-251132-T-C.
Other names: c.1433T>C, p.Phe478Ser (NM_001294332.2); c.1552-3376T>C (NM_001330758.2); short protein forms F478S, F526S.
Identifiers: ClinVar variation 3316859 (VCV003316859.2).

ClinVar aggregate classification (germline): Uncertain significance (1 of 4 stars; one submission).

Conditions:
Hereditary cancer-predisposing syndrome. Also called: Hereditary neoplastic syndrome; Tumor predisposition; Neoplastic Syndromes, Hereditary; Hereditary Cancer Syndrome. Identifiers: Orphanet 140162, MedGen C0027672, MeSH D009386, MONDO:0015356.

Submission:

Ambry Genetics
Classification: Uncertain significance for Hereditary cancer-predisposing syndrome. Last evaluated: 2026-02-05. Review status: criteria provided, single submitter. Criteria: Ambry Variant Classification Scheme 2023. Collection method: clinical testing. Allele origin: germline.
Comment: The p.F526S variant (also known as c.1577T>C), located in coding exon 12 of the SDHA gene, results from a T to C substitution at nucleotide position 1577. The phenylalanine at codon 526 is replaced by serine, an amino acid with highly dissimilar properties. This amino acid position is conserved. In addition, this alteration is predicted to be deleterious by in silico analysis. Based on the available evidence, the clinical significance of this variant remains unclear.